The following is an entry in ClinVar:

NM_014363.6(SACS):c.11528G>T (p.Gly3843Val)

Gene: SACS (sacsin molecular chaperone; minus strand). Cytogenetic location: 13q12.12.
Variant type: single nucleotide variant.
Coding change: c.11528G>T on transcript NM_014363.6 (MANE Select); coding-DNA position 11528, G replaced by T.
Protein change: p.Gly3843Val; replaces glycine 3843 with valine.
Molecular consequence: missense variant.
Genome position (GRCh38, 1-based): chr13:23,332,348, C>A on the plus strand (G>T on the coding strand, the complement: SACS is on the minus strand). VCF-style: chr13-23332348-C-A. GRCh37 (hg19) VCF-style: chr13-23906487-C-A.
Other names: c.11087G>T, p.Gly3696Val (NM_001278055.2); short protein forms G3696V, G3843V.
Identifiers: ClinVar variation 3340233 (VCV003340233.2).

ClinVar aggregate classification (germline): Uncertain significance. Review status: criteria provided, multiple submitters, no conflicts (2 of 4 stars). 2 submissions from 2 submitters: Uncertain significance (2). Last evaluated 2025-05-28.

Conditions:
Charlevoix-Saguenay spastic ataxia (SACS). Also called: SPASTIC ATAXIA 6, AUTOSOMAL RECESSIVE; AUTOSOMAL RECESSIVE SPASTIC ATAXIA OF CHARLEVOIX-SAGUENAY; Spastic ataxia of Charlevoix-Saguenay. Identifiers: Orphanet 98, MedGen C1849140, MONDO:0010041, OMIM 270550.

Submissions (2):

3billion
Classification: Uncertain significance for Charlevoix-Saguenay spastic ataxia. Last evaluated: 2025-05-28. Review status: criteria provided, single submitter. Criteria: ACMG Guidelines, 2015. Collection method: clinical testing. Allele origin: germline. Affected: yes.
Comment: The variant is observed at an extremely low frequency in the gnomAD v4.1.0 dataset (total allele frequency: <0.001%). Predicted Consequence/Location: Missense variant. The majority of the known disease-causing variants of this gene are variants expected to result in premature termination of the protein. In silico tool predictions suggest damaging effect of the variant on gene or gene product [REVEL: 0.86 (>=0.6, sensitivity 0.68 and specificity 0.92)]. The same nucleotide change resulting in the same amino acid change has been previously reported to be associated with SACS-related disorder (PMID: 26288984). However, the evidence of pathogenicity is insufficient at this time. Therefore, this variant is classified as VUS according to the recommendation of ACMG/AMP guideline.

GeneDx
Classification: Uncertain significance. Last evaluated: 2023-11-08. Review status: criteria provided, single submitter. Criteria: GeneDx Variant Classification Process June 2021. Collection method: clinical testing. Allele origin: germline. Affected: yes.
Comment: Not observed at significant frequency in large population cohorts (gnomAD); In silico analysis supports that this missense variant has a deleterious effect on protein structure/function; This variant is associated with the following publications: (PMID: 26288984)

Literature cited by the submitters: PubMed 26288984 (cited by 3billion).